The following is an entry in ClinVar:

NM_138694.4(PKHD1):c.7394G>A (p.Trp2465Ter)

Gene: PKHD1 (PKHD1 ciliary IPT domain containing fibrocystin/polyductin; minus strand). Cytogenetic location: 6p12.2.
Variant type: single nucleotide variant.
Coding change: c.7394G>A on transcript NM_138694.4 (MANE Select); coding-DNA position 7394, G replaced by A.
Protein change: p.Trp2465Ter; replaces tryptophan 2465 with a stop codon.
Molecular consequence: nonsense.
Genome position (GRCh38, 1-based): chr6:51,870,596, C>T on the plus strand (G>A on the coding strand, the complement: PKHD1 is on the minus strand). VCF-style: chr6-51870596-C-T. GRCh37 (hg19) VCF-style: chr6-51735394-C-T.
Other names: c.7394G>A, p.Trp2465Ter (NM_170724.3); c.7394G>A (NM_138694.3); short protein forms W2465*.
Identifiers: ClinVar variation 1687155 (VCV001687155.2), dbSNP rs2151778258, ClinGen allele CA364419698.

ClinVar aggregate classification (germline): Likely pathogenic. Review status: criteria provided, multiple submitters, no conflicts (2 of 4 stars). 2 submissions from 2 submitters: Likely pathogenic (2). Last evaluated 2024-08-12.

Conditions:
Autosomal recessive polycystic kidney disease (ARPKD). Also called: AR polycystic kidney disease. Identifiers: Orphanet 731, Orphanet 8378, MedGen C0085548, MeSH D017044, MONDO:0009889.
Polycystic kidney disease 4 (PKD4). Also called: POLYCYSTIC KIDNEY DISEASE 4 WITH OR WITHOUT POLYCYSTIC LIVER DISEASE; POLYCYSTIC KIDNEY AND HEPATIC DISEASE 1; POLYCYSTIC KIDNEY DISEASE, INFANTILE, TYPE I; PKD3; Autosomal Recessive Polycystic Kidney Disease – PKHD1. Identifiers: MedGen C4540575, MONDO:0033004, OMIM 263200.

Submissions (2):

Natera, Inc.
Classification: Likely pathogenic for Autosomal recessive polycystic kidney disease. Last evaluated: 2024-08-12. Review status: criteria provided, single submitter. Criteria: Natera Variant Classification Schema (03/2026). Collection method: clinical testing. Allele origin: germline.
Comment: The c.7394G>A variant in PKHD1 is a nonsense variant predicted to introduce a stop codon at amino acid 2465. This variant is expected to result in nonsense mediated decay, truncation, or a dysfunctional protein product. This variant is rare in the general population with a frequency below the threshold expected for the associated phenotype(s). Given the available evidence, this variant is classified as Likely Pathogenic.

3billion
Classification: Likely pathogenic for Polycystic kidney disease 4. Last evaluated: 2022-05-22. Review status: criteria provided, single submitter. Criteria: ACMG Guidelines, 2015. Collection method: clinical testing. Allele origin: germline. Affected: yes. Observed: 1 heterozygote.
Comment: The variant is not observed in the gnomAD v2.1.1 dataset. Stop-gained (nonsense): predicted to result in a loss or disruption of normal protein function through nonsense-mediated decay (NMD) or protein truncation. Multiple pathogenic variants are reported downstream of the variant. Therefore, this variant is classified as likely pathogenic according to the recommendation of ACMG/AMP guideline.